The following is an entry in ClinVar:

NM_000092.5(COL4A4):c.2762del (p.Gly921fs)

Gene: COL4A4 (collagen type IV alpha 4 chain; minus strand). Cytogenetic location: 2q36.3.
Variant type: Deletion.
Coding change: c.2762del on transcript NM_000092.5 (MANE Select); coding-DNA position 2762, one base deleted (G; older notation c.2762delG).
Protein change: p.Gly921fs; shifts the reading frame from glycine 921.
Molecular consequence: frameshift variant.
Genome position (GRCh38, 1-based): chr2:227,054,692, C deleted on the plus strand (G on the coding strand, the reverse complement: COL4A4 is on the minus strand); the first of 2 consecutive C bases (chr2:227,054,692-227,054,693); deleting either gives the same sequence. VCF-style (leftmost placement, unchanged base first): chr2-227054691-TC-T. GRCh37 (hg19) VCF-style: chr2-227919407-TC-T.
Other names: short protein forms G921fs.
Identifiers: ClinVar variation 970244 (VCV000970244.7), dbSNP rs1974906528, ClinGen allele CA1139657717.

ClinVar aggregate classification (germline): Pathogenic (1 of 4 stars; one submission).

Submission:

Labcorp Genetics (formerly Invitae), Labcorp
Classification: Pathogenic. Last evaluated: 2019-11-11. Review status: criteria provided, single submitter. Criteria: Invitae Variant Classification Sherloc (09022015). Collection method: clinical testing. Allele origin: germline.
Comment: For these reasons, this variant has been classified as Pathogenic. Loss-of-function variants in COL4A4 are known to be pathogenic (PMID: 19129241, 21196518, 24052634, 24522496, 24854265, 25307543, 26809805, 27281700). This variant has not been reported in the literature in individuals with COL4A4-related conditions. This variant is not present in population databases (ExAC no frequency). This sequence change creates a premature translational stop signal (p.Gly921Glufs*29) in the COL4A4 gene. It is expected to result in an absent or disrupted protein product.

Literature cited by the submitters: PubMed 19129241; PubMed 21196518; PubMed 24052634; PubMed 24522496; PubMed 24854265; PubMed 25307543; PubMed 26809805; PubMed 27281700.